The following is an entry in ClinVar:

ClinVar aggregate classification (germline): Uncertain significance (1 of 4 stars; one submission).

Conditions:
Cortical dysplasia-focal epilepsy syndrome (PTHSL1). Also called: Pitt-Hopkins-like syndrome 1. Identifiers: Orphanet 163681, Orphanet 221150, MedGen C2750246, MONDO:0012400, OMIM 610042.

Allele frequency attached by ClinVar (database versions not stated): gnomAD exomes below 0.00001; TOPMed 0.00001; gnomAD 0.00003; ESP Exome Variant Server 0.00008.
gnomAD v4.1: 4 of 1,613,434 alleles (0.00025%); highest among the groups gnomAD compares: African/African-American, 0.0053%; no homozygotes.

Submission:

Labcorp Genetics (formerly Invitae), Labcorp
Classification: Uncertain significance for Cortical dysplasia-focal epilepsy syndrome. Last evaluated: 2019-01-29. Review status: criteria provided, single submitter. Criteria: Invitae Variant Classification Sherloc (09022015). Collection method: clinical testing. Allele origin: germline.
Comment: This sequence change falls in intron 18 of the CNTNAP2 gene. It does not directly change the encoded amino acid sequence of the CNTNAP2 protein, but it affects a nucleotide within the consensus splice site of the intron. This variant is not present in population databases (ExAC no frequency). This variant has not been reported in the literature in individuals with CNTNAP2-related conditions. Nucleotide substitutions within the consensus splice site are a relatively common cause of aberrant splicing (PMID: 17576681, 9536098). Algorithms developed to predict the effect of sequence changes on RNA splicing suggest that this variant is not likely to affect RNA splicing, but this prediction has not been confirmed by published transcriptional studies. In summary, the available evidence is currently insufficient to determine the role of this variant in disease. Therefore, it has been classified as a Variant of Uncertain Significance.

Literature cited by the submitters: PubMed 17576681; PubMed 9536098.

NM_014141.6(CNTNAP2):c.3010+3A>G

Genes: CNTNAP2 (contactin associated protein 2; plus strand), LOC126860216 (BRD4-independent group 4 enhancer GRCh37_chr7:147868766-147869965; plus strand). Cytogenetic location: 7q35.
Variant type: single nucleotide variant.
Coding change: c.3010+3A>G on transcript NM_014141.6 (MANE Select); 3 bases into the intron after coding-DNA position 3010, A replaced by G.
Molecular consequence: intron variant.
Genome position (GRCh38, 1-based): chr7:148,172,481, A>G. VCF-style: chr7-148172481-A-G. GRCh37 (hg19) VCF-style: chr7-147869573-A-G.
Identifiers: ClinVar variation 842765 (VCV000842765.5), dbSNP rs370484431, ClinGen allele CA168818888.